The following is an entry in ClinVar:

ClinVar aggregate classification (germline): Likely benign (0 of 4 stars; one submission).

Conditions:
IFT74-related disorder. Also called: IFT74-Related Disorders; IFT74-related condition.

gnomAD v4.1: 15 of 152,192 alleles (0.0099%); highest among the groups gnomAD compares: African/African-American, 0.036%; no homozygotes.

Submission:

PreventionGenetics, part of Exact Sciences
Classification: Likely benign for IFT74-related condition. Last evaluated: 2020-07-25. Review status: no assertion criteria provided. Collection method: clinical testing. Allele origin: germline.
Comment: This variant is classified as likely benign based on ACMG/AMP sequence variant interpretation guidelines (Richards et al. 2015 PMID: 25741868, with internal and published modifications).

NM_025103.4(IFT74):c.1685-617C>G

Gene: IFT74 (intraflagellar transport 74; plus strand). Cytogenetic location: 9p21.2.
Variant type: single nucleotide variant.
Coding change: c.1685-617C>G on transcript NM_025103.4 (MANE Select); 617 bases into the intron before coding-DNA position 1685, C replaced by G.
Molecular consequence: intron variant. On other transcripts: 3 prime UTR variant (1).
Genome position (GRCh38, 1-based): chr9:27,062,001, C>G. VCF-style: chr9-27062001-C-G. GRCh37 (hg19) VCF-style: chr9-27061999-C-G.
Other names: c.*4C>G (NM_001349928.2); c.1685-617C>G (NM_001099223.3, NM_001099222.3).
Identifiers: ClinVar variation 3059945 (VCV003059945.2), dbSNP rs908331623, ClinGen allele CA191287173.